The following is an entry in ClinVar:

NM_004415.4(DSP):c.2246T>C (p.Leu749Pro)

Gene: DSP (desmoplakin; plus strand). Cytogenetic location: 6p24.3.
Variant type: single nucleotide variant.
Coding change: c.2246T>C on transcript NM_004415.4 (MANE Select); coding-DNA position 2246, T replaced by C.
Protein change: p.Leu749Pro; replaces leucine 749 with proline.
Molecular consequence: missense variant.
Genome position (GRCh38, 1-based): chr6:7,574,201, T>C. VCF-style: chr6-7574201-T-C. GRCh37 (hg19) VCF-style: chr6-7574434-T-C.
Other names: c.2246T>C (NM_004415.3); c.2246T>C, p.Leu749Pro (NM_001008844.3, NM_001319034.2); short protein forms L749P.
Identifiers: ClinVar variation 910737 (VCV000910737.22), dbSNP rs935504136, ClinGen allele CA133961987.

ClinVar aggregate classification (germline): Uncertain significance. Review status: criteria provided, multiple submitters, no conflicts (2 of 4 stars). 8 submissions from 6 submitters: Uncertain significance (8). Last evaluated 2025-02-17.

Conditions:
Cardiovascular phenotype. Identifiers: MedGen CN230736.
Lethal acantholytic epidermolysis bullosa (EBLA). Identifiers: Orphanet 158687, MedGen C1864826, MONDO:0012323, OMIM 609638.
Woolly hair-skin fragility syndrome (WHSF). Identifiers: Orphanet 293165, MedGen C1843292, MONDO:0957307, OMIM 620415.
Arrhythmogenic right ventricular dysplasia 8 (ARVD8). Also called: Arrhythmogenic Right Ventricular Dysplasia/Cardiomyopathy 8; ARRHYTHMOGENIC RIGHT VENTRICULAR DYSPLASIA, FAMILIAL, 8; ARRHYTHMOGENIC RIGHT VENTRICULAR CARDIOMYOPATHY 8. Identifiers: MedGen C1843896, MONDO:0011831, OMIM 607450.
Arrhythmogenic cardiomyopathy with wooly hair and keratoderma. Also called: Arrhythmogenic cardiomyopathy with woolly hair and keratoderma; PALMOPLANTAR KERATODERMA WITH LEFT VENTRICULAR CARDIOMYOPATHY AND WOOLLY HAIR; Carvajal syndrome; Dilated cardiomyopathy with woolly hair and keratoderma. Identifiers: Orphanet 65282, MedGen C1854063, MONDO:0011581, OMIM 605676.

Allele frequency attached by ClinVar (database versions not stated): gnomAD 0.00001; gnomAD exomes 0.00001; TOPMed 0.00001.
gnomAD v4.1: 16 of 1,613,980 alleles (0.00099%); highest among the groups gnomAD compares: Admixed American, 0.0017%; no homozygotes.

Submissions (8):

Molecular Diagnostic Laboratory for Inherited Cardiovascular Disease, Montreal Heart Institute
Classification: Uncertain significance for Cardiovascular phenotype. Last evaluated: 2025-02-17. Review status: criteria provided, single submitter. Criteria: ACMG Guidelines, 2015. Collection method: clinical testing. Allele origin: germline. Affected: yes.

Ambry Genetics
Classification: Uncertain significance for Cardiovascular phenotype. Last evaluated: 2025-02-10. Review status: criteria provided, single submitter. Criteria: Ambry Variant Classification Scheme 2023. Collection method: clinical testing. Allele origin: germline.
Comment: The p.L749P variant (also known as c.2246T>C), located in coding exon 16 of the DSP gene, results from a T to C substitution at nucleotide position 2246. The leucine at codon 749 is replaced by proline, an amino acid with similar properties. This amino acid position is conserved. In addition, this alteration is predicted to be deleterious by in silico analysis. Since supporting evidence is limited at this time, the clinical significance of this alteration remains unclear.

Labcorp Genetics (formerly Invitae), Labcorp
Classification: Uncertain significance for Arrhythmogenic cardiomyopathy with wooly hair and keratoderma; Arrhythmogenic right ventricular dysplasia 8. Last evaluated: 2024-08-15. Review status: criteria provided, single submitter. Criteria: Invitae Variant Classification Sherloc (09022015). Collection method: clinical testing. Allele origin: germline.
Comment: This sequence change replaces leucine, which is neutral and non-polar, with proline, which is neutral and non-polar, at codon 749 of the DSP protein (p.Leu749Pro). This variant is present in population databases (no rsID available, gnomAD 0.007%). This variant has not been reported in the literature in individuals affected with DSP-related conditions. ClinVar contains an entry for this variant (Variation ID: 910737). An algorithm developed to predict the effect of missense changes on protein structure and function (PolyPhen-2) suggests that this variant is likely to be disruptive. In summary, the available evidence is currently insufficient to determine the role of this variant in disease. Therefore, it has been classified as a Variant of Uncertain Significance.

All of Us Research Program, National Institutes of Health
Classification: Uncertain significance for Arrhythmogenic cardiomyopathy with wooly hair and keratoderma. Last evaluated: 2024-08-13. Review status: criteria provided, single submitter. Criteria: ACMG Guidelines, 2015. Collection method: clinical testing. Allele origin: germline. Inheritance: Autosomal dominant inheritance. Observed: 3 variant alleles, 3 heterozygotes.
Comment: This missense variant replaces leucine with proline at codon 749 of the DSP protein. Computational prediction suggests that this variant may have deleterious impact on protein structure and function (internally defined REVEL score threshold >= 0.7, PMID: 27666373). To our knowledge, functional studies have not been reported for this variant. This variant has not been reported in individuals affected with DSP-related disorders in the literature. This variant has been identified in 1/31414 chromosomes in the general population by the Genome Aggregation Database (gnomAD). The available evidence is insufficient to determine the role of this variant in disease conclusively. Therefore, this variant is classified as a Variant of Uncertain Significance.

This study involves interpretation of variants in research participants for the purpose of population health screening. Participant phenotype was not available at the time of variant classification. Additional details can be found in publication PMID: 35346344, PMCID: PMC8962531

AiLife Diagnostics
Classification: Uncertain significance. Last evaluated: 2022-01-19. Review status: criteria provided, single submitter. Criteria: ACMG Guidelines, 2015. Collection method: clinical testing. Allele origin: germline. Affected: yes. Observed: 1 variant allele.

Illumina Laboratory Services, Illumina
Classification: Uncertain significance for Arrhythmogenic right ventricular dysplasia 8. Last evaluated: 2018-01-13. Review status: criteria provided, single submitter. Criteria: ICSL Variant Classification Criteria 13 December 2019. Collection method: clinical testing. Allele origin: germline.

Illumina Laboratory Services, Illumina
Classification: Uncertain significance for Arrhythmogenic cardiomyopathy with wooly hair and keratoderma. Last evaluated: 2018-01-13. Review status: criteria provided, single submitter. Criteria: ICSL Variant Classification Criteria 13 December 2019. Collection method: clinical testing. Allele origin: germline.

Illumina Laboratory Services, Illumina
Classification: Uncertain significance for Lethal acantholytic epidermolysis bullosa. Last evaluated: 2018-01-13. Review status: criteria provided, single submitter. Criteria: ICSL Variant Classification Criteria 13 December 2019. Collection method: clinical testing. Allele origin: germline.